The following is an entry in ClinVar:

ClinVar aggregate classification (germline): Benign/Likely benign. Review status: criteria provided, multiple submitters, no conflicts (2 of 4 stars). 2 submissions from 2 submitters: Benign (1); Likely benign (1). Last evaluated 2026-03-31.

Conditions:
Familial cancer of breast. Also called: BREAST CANCER, FAMILIAL; Hereditary breast cancer; hereditary breast carcinoma. Identifiers: Orphanet 227535, MedGen C0346153, MONDO:0016419, OMIM 114480. Disease mechanism: loss of function.
Hereditary cancer-predisposing syndrome. Also called: Neoplastic Syndromes, Hereditary; Tumor predisposition; Hereditary Cancer Syndrome; Hereditary neoplastic syndrome. Identifiers: Orphanet 140162, MedGen C0027672, MeSH D009386, MONDO:0015356.

Submissions (2):

Ambry Genetics
Classification: Likely benign for Hereditary cancer-predisposing syndrome. Last evaluated: 2026-03-31. Review status: criteria provided, single submitter. Criteria: Ambry Variant Classification Scheme 2023. Collection method: clinical testing. Allele origin: germline.

Myriad Genetics, Inc.
Classification: Benign for Familial cancer of breast. Last evaluated: 2025-01-21. Review status: criteria provided, single submitter. Criteria: Myriad Autosomal Dominant, Autosomal Recessive and X-Linked Classification Criteria (2023). Collection method: clinical testing. Allele origin: unknown.
Comment: This variant is considered benign. This variant is a silent/synonymous amino acid change and it is not expected to impact splicing.

NM_024675.4(PALB2):c.2865T>C (p.Ser955=)

Gene: PALB2 (partner and localizer of BRCA2; minus strand). Cytogenetic location: 16p12.2.
Variant type: single nucleotide variant.
Coding change: c.2865T>C on transcript NM_024675.4 (MANE Select); coding-DNA position 2865, T replaced by C.
Protein change: p.Ser955=; no amino-acid change (serine 955 retained).
Molecular consequence: synonymous variant. On other transcripts: intron variant (1).
Genome position (GRCh38, 1-based): chr16:23,623,100, A>G on the plus strand (T>C on the coding strand, the complement: PALB2 is on the minus strand). VCF-style: chr16-23623100-A-G. GRCh37 (hg19) VCF-style: chr16-23634421-A-G.
Other names: c.2805T>C, p.Ser935= (NM_001407296.1); c.2793T>C, p.Ser931= (NM_001407297.1); c.2703T>C, p.Ser901= (NM_001407298.1, NM_001407302.1); c.2865T>C, p.Ser955= (NM_001407299.1, NM_001407301.1); c.1980T>C, p.Ser660= (NM_001407304.1, NM_001407305.1, NM_001407306.1 and 4 more transcripts); c.1818T>C, p.Ser606= (NM_001407307.1); c.1077T>C, p.Ser359= (NM_001407312.1, NM_001407313.1); c.399T>C, p.Ser133= (NM_001407314.1); and 1 more.
Identifiers: ClinVar variation 3904115 (VCV003904115.2).
Genomic context (GRCh38, chr16:23,623,100, plus strand): 5'-CCTCTTTGTCAGGCCAAGCACAGCTTTTATATTTCCAGACTTCAGTAGTACTTGCTTTTC[A>G]CTTTCATCATCAGAGGAACAAAACAATGCCCTAAGCCAAATATAAGGAAAAATGGGGTGA-3'
Protein context (NP_078951.2, residues 945-965): RALFCSSDDE[Ser955=]EKQVLLKSGN